The following is an entry in ClinVar:

ClinVar aggregate classification (germline): Pathogenic (1 of 4 stars; one submission).

Conditions:
Episodic ataxia type 2 (EA2). Also called: CEREBELLAR ATAXIA, PAROXYSMAL, ACETAZOLAMIDE-RESPONSIVE; CEREBELLOPATHY, HEREDITARY PAROXYSMAL; EPISODIC ATAXIA, NYSTAGMUS-ASSOCIATED; ACETAZOLAMIDE-RESPONSIVE HEREDITARY PAROXYSMAL CEREBELLAR ATAXIA; ATAXIA, EPISODIC, WITH NYSTAGMUS; ATAXIA, FAMILIAL PAROXYSMAL. Identifiers: Orphanet 97, MedGen C1720416, MONDO:0007163, OMIM 108500.
Developmental and epileptic encephalopathy, 42 (DEE42A). Also called: Epileptic encephalopathy, early infantile, 42; DEVELOPMENTAL AND EPILEPTIC ENCEPHALOPATHY 42A; EPILEPTIC ENCEPHALOPATHY, EARLY INFANTILE, 42A. Identifiers: MedGen C4310716, MONDO:0014917, OMIM 617106.

Submission:

Labcorp Genetics (formerly Invitae), Labcorp
Classification: Pathogenic for Developmental and epileptic encephalopathy, 42; Episodic ataxia type 2. Last evaluated: 2023-10-18. Review status: criteria provided, single submitter. Criteria: Invitae Variant Classification Sherloc (09022015). Collection method: clinical testing. Allele origin: germline.
Comment: This sequence change creates a premature translational stop signal (p.Gly2072Alafs*48) in the CACNA1A gene. It is expected to result in an absent or disrupted protein product. Loss-of-function variants in CACNA1A are known to be pathogenic (PMID: 10371528, 19486177, 25735478, 27250579). This variant is not present in population databases (gnomAD no frequency). This variant has not been reported in the literature in individuals affected with CACNA1A-related conditions. For these reasons, this variant has been classified as Pathogenic.

Literature cited by the submitters: PubMed 10371528; PubMed 19486177; PubMed 25735478; PubMed 27250579.

NM_001127222.2(CACNA1A):c.6212_6221del (p.Gly2071fs)

Gene: CACNA1A (calcium voltage-gated channel subunit alpha1 A; minus strand). Cytogenetic location: 19p13.13.
Variant type: Deletion.
Coding change: c.6212_6221del on transcript NM_001127222.2 (MANE Select); coding-DNA positions 6212 to 6221, 10 bases deleted (GCAGAGATGG; older notation c.6212_6221delGCAGAGATGG).
Protein change: p.Gly2071fs; shifts the reading frame from glycine 2071.
Molecular consequence: frameshift variant.
Genome position (GRCh38, 1-based): chr19:13,212,185-13,212,194, CCATCTCTGC deleted on the plus strand (GCAGAGATGG on the coding strand, the reverse complement: CACNA1A is on the minus strand); deleting any 10 consecutive bases within chr19:13,212,185-13,212,202 gives the same sequence; the c. name uses the placement nearest the transcript's 3' end. VCF-style (leftmost placement, unchanged base first): chr19-13212184-GCCATCTCTGC-G. GRCh37 (hg19) VCF-style: chr19-13322998-GCCATCTCTGC-G.
Other names: c.6230_6239del, p.Gly2077fs (NM_000068.4, NM_023035.3); c.6215_6224del, p.Gly2072fs (NM_001127221.2); c.6221_6230del, p.Gly2074fs (NM_001174080.2); short protein forms G2071fs, G2072fs, G2074fs, G2077fs.
Identifiers: ClinVar variation 2953036 (VCV002953036.3), dbSNP rs2512534151, ClinGen allele CA2740091921.